The following is an entry in ClinVar:

NM_000088.4(COL1A1):c.1240G>T (p.Ala414Ser)

Gene: COL1A1 (collagen type I alpha 1 chain; minus strand). Cytogenetic location: 17q21.33.
Variant type: single nucleotide variant.
Coding change: c.1240G>T on transcript NM_000088.4 (MANE Select); coding-DNA position 1240, G replaced by T.
Protein change: p.Ala414Ser; replaces alanine 414 with serine.
Molecular consequence: missense variant.
Genome position (GRCh38, 1-based): chr17:50,195,291, C>A on the plus strand (G>T on the coding strand, the complement: COL1A1 is on the minus strand). VCF-style: chr17-50195291-C-A. GRCh37 (hg19) VCF-style: chr17-48272652-C-A.
Other names: c.1240G>T (NM_000088.3); short protein forms A414S.
Identifiers: ClinVar variation 1476707 (VCV001476707.7), dbSNP rs2144575819, ClinGen allele CA400218819.

ClinVar aggregate classification (germline): Uncertain significance. Review status: criteria provided, multiple submitters, no conflicts (2 of 4 stars). 2 submissions from 2 submitters: Uncertain significance (2). Last evaluated 2025-01-21.

Conditions:
Osteogenesis imperfecta type I (OI1). Also called: Lobstein's Disease; Classic Non-deforming Osteogenesis Imperfecta with Blue Sclerae; OI, TYPE I; OSTEOGENESIS IMPERFECTA TARDA; OSTEOGENESIS IMPERFECTA WITH BLUE SCLERAE; Osteogenesis imperfecta type 1. Identifiers: Orphanet 216796, Orphanet 666, MedGen C0023931, MONDO:0008146, OMIM 166200. Disease mechanism: loss of function.

Submissions (2):

GeneDx
Classification: Uncertain significance. Last evaluated: 2025-01-21. Review status: criteria provided, single submitter. Criteria: GeneDx Variant Classification Process June 2021. Collection method: clinical testing. Allele origin: germline. Affected: yes.
Comment: Not observed at significant frequency in large population cohorts (gnomAD); In silico analysis indicates that this missense variant does not alter protein structure/function; Has not been previously published as pathogenic or benign to our knowledge

Labcorp Genetics (formerly Invitae), Labcorp
Classification: Uncertain significance for Osteogenesis imperfecta type I. Last evaluated: 2021-12-26. Review status: criteria provided, single submitter. Criteria: Invitae Variant Classification Sherloc (09022015). Collection method: clinical testing. Allele origin: germline.
Comment: In summary, the available evidence is currently insufficient to determine the role of this variant in disease. Therefore, it has been classified as a Variant of Uncertain Significance. This sequence change replaces alanine, which is neutral and non-polar, with serine, which is neutral and polar, at codon 414 of the COL1A1 protein (p.Ala414Ser). This variant is not present in population databases (gnomAD no frequency). This variant has not been reported in the literature in individuals affected with COL1A1-related conditions. Advanced modeling of protein sequence and biophysical properties (such as structural, functional, and spatial information, amino acid conservation, physicochemical variation, residue mobility, and thermodynamic stability) performed at Invitae indicates that this missense variant is not expected to disrupt COL1A1 protein function.